The following is an entry in ClinVar:

NM_003079.5(SMARCE1):c.1055A>G (p.Glu352Gly)

Gene: SMARCE1 (SWI/SNF related BAF chromatin remodeling complex subunit E1; minus strand). Cytogenetic location: 17q21.2.
Variant type: single nucleotide variant.
Coding change: c.1055A>G on transcript NM_003079.5 (MANE Select); coding-DNA position 1055, A replaced by G.
Protein change: p.Glu352Gly; replaces glutamic acid 352 with glycine.
Molecular consequence: missense variant.
Genome position (GRCh38, 1-based): chr17:40,628,966, T>C on the plus strand (A>G on the coding strand, the complement: SMARCE1 is on the minus strand). VCF-style: chr17-40628966-T-C. GRCh37 (hg19) VCF-style: chr17-38785218-T-C.
Other names: short protein forms E352G.
Identifiers: ClinVar variation 532242 (VCV000532242.14), dbSNP rs1198138077, ClinGen allele CA399361707.

ClinVar aggregate classification (germline): Conflicting classifications of pathogenicity. Review status: criteria provided, conflicting classifications (1 of 4 stars). 3 submissions from 3 submitters: Uncertain significance (2); Likely benign (1). Last evaluated 2026-05-15.

Conditions:
Hereditary cancer-predisposing syndrome. Also called: Hereditary neoplastic syndrome; Hereditary Cancer Syndrome; Neoplastic Syndromes, Hereditary; Tumor predisposition. Identifiers: Orphanet 140162, MedGen C0027672, MeSH D009386, MONDO:0015356.
Familial meningioma. Also called: Meningioma, familial, susceptibility to. Identifiers: Orphanet 263662, MedGen C3551915, MONDO:0011789, OMIM 607174.
SMARCE1-related disorder. Also called: SMARCE1-related condition.

Allele frequency attached by ClinVar (database versions not stated): gnomAD exomes below 0.00001; TOPMed below 0.00001; gnomAD 0.00001.
gnomAD v4.1: 3 of 1,613,740 alleles (0.00019%); highest among the groups gnomAD compares: East Asian, 0.0067%; no homozygotes.

Submissions (3):

PreventionGenetics, part of Exact Sciences
Classification: Uncertain significance for SMARCE1-related condition. Last evaluated: 2026-05-15. Review status: criteria provided, single submitter. Criteria: ACMG Guidelines, 2015. Collection method: clinical testing. Allele origin: germline.
Comment: The SMARCE1 c.1055A>G variant is predicted to result in the amino acid substitution p.Glu352Gly. To our knowledge, this variant has not been reported in the literature. This variant is reported in 0.0054% of alleles in individuals of East Asian descent in gnomAD and has conflicting interpretations in ClinVar ranging from likely benign to uncertain (Variation ID: 532242). At this time, the clinical significance of this variant is uncertain due to the absence of conclusive functional and genetic evidence.

Labcorp Genetics (formerly Invitae), Labcorp
Classification: Uncertain significance for Familial meningioma. Last evaluated: 2026-01-31. Review status: criteria provided, single submitter. Criteria: Invitae Variant Classification Sherloc (09022015). Collection method: clinical testing. Allele origin: germline.
Comment: This sequence change replaces glutamic acid, which is acidic and polar, with glycine, which is neutral and non-polar, at codon 352 of the SMARCE1 protein (p.Glu352Gly). This variant is present in population databases (no rsID available, gnomAD 0.006%). This variant has not been reported in the literature in individuals affected with SMARCE1-related conditions. ClinVar contains an entry for this variant (Variation ID: 532242). Invitae Evidence Modeling of protein sequence and biophysical properties (such as structural, functional, and spatial information, amino acid conservation, physicochemical variation, residue mobility, and thermodynamic stability) indicates that this missense variant is not expected to disrupt SMARCE1 protein function with a negative predictive value of 80%. In summary, the available evidence is currently insufficient to determine the role of this variant in disease. Therefore, it has been classified as a Variant of Uncertain Significance.

Ambry Genetics
Classification: Likely benign for Hereditary cancer-predisposing syndrome. Last evaluated: 2021-08-03. Review status: criteria provided, single submitter. Criteria: Ambry Variant Classification Scheme 2023. Collection method: clinical testing. Allele origin: germline.